The following is an entry in ClinVar:

ClinVar aggregate classification (germline): Conflicting classifications of pathogenicity. Review status: criteria provided, conflicting classifications (1 of 4 stars). 4 submissions from 4 submitters: Uncertain significance (1); Likely benign (3). Last evaluated 2026-05-01.

Conditions:
Inborn genetic diseases. Identifiers: MedGen C0950123, MeSH D030342.
Intellectual disability. Also called: Intellectual functioning disability; intellectual disabilities; Intellectual developmental disorder. Identifiers: MedGen C3714756, MeSH D008607, MONDO:0001071, HP:0001249.

Allele frequency attached by ClinVar (database versions not stated): TOPMed 0.00002; ExAC 0.00004; gnomAD 0.00004; gnomAD exomes 0.00004; 1000 Genomes Project 30x 0.00016; 1000 Genomes Project 0.00020.
gnomAD v4.1: 66 of 1,614,092 alleles (0.0041%); highest among the groups gnomAD compares: East Asian, 0.011%; no homozygotes.

Submissions (4):

CeGaT Center for Human Genetics Tuebingen
Classification: Likely benign. Last evaluated: 2026-05-01. Review status: criteria provided, single submitter. Criteria: CeGaT Center For Human Genetics Tuebingen Variant Classification Criteria Version 2. Collection method: clinical testing. Allele origin: germline. Affected: yes. Observed: 3 variant alleles.
Comment: SPECC1L: BP4

Blueprint Genetics
Classification: Likely benign. Last evaluated: 2024-01-05. Review status: criteria provided, single submitter. Criteria: ACMG Guidelines, 2015. Collection method: clinical testing. Allele origin: germline.

Ambry Genetics
Classification: Likely benign for Inborn genetic diseases. Last evaluated: 2022-08-02. Review status: criteria provided, single submitter. Criteria: Ambry Variant Classification Scheme 2023. Collection method: clinical testing. Allele origin: germline.

Cambridge Genomics Laboratory, East Genomic Laboratory Hub, NHS Genomic Medicine Service
Classification: Uncertain significance for Intellectual disability. Last evaluated: 2020-05-29. Review status: criteria provided, single submitter. Criteria: ACGS Best Practice Guidelines for Variant Classification in Rare Disease 2020. Collection method: clinical testing. Allele origin: germline. Affected: yes. Observed: 1 variant allele.

NM_015330.6(SPECC1L):c.2885C>T (p.Ser962Leu)

Genes: SPECC1L (sperm antigen with calponin homology and coiled-coil domains 1 like; plus strand), SPECC1L-ADORA2A (SPECC1L-ADORA2A readthrough (NMD candidate); plus strand). Cytogenetic location: 22q11.23.
Variant type: single nucleotide variant.
Coding change: c.2885C>T on transcript NM_015330.6 (MANE Select); coding-DNA position 2885, C replaced by T.
Protein change: p.Ser962Leu; replaces serine 962 with leucine.
Molecular consequence: missense variant. On other transcripts: non-coding transcript variant (1).
Genome position (GRCh38, 1-based): chr22:24,365,533, C>T. VCF-style: chr22-24365533-C-T. GRCh37 (hg19) VCF-style: chr22-24761501-C-T.
Other names: c.2885C>T, p.Ser962Leu (NM_001145468.4, NM_001254732.3); c.83C>T, p.Ser28Leu (NM_001254733.2); short protein forms S962L, S28L.
Identifiers: ClinVar variation 2304609 (VCV002304609.26), dbSNP rs190313411, ClinGen allele CA10152487.